The following is an entry in ClinVar:

ClinVar aggregate classification (germline): Uncertain significance (1 of 4 stars; one submission).

Conditions:
Nemaline myopathy 2 (NEM2). Also called: Nemaline myopathy 2, autosomal recessive. Identifiers: MedGen C1850569, MONDO:0009725, OMIM 256030.

Allele frequency attached by ClinVar (database versions not stated): gnomAD exomes 0.00001.
gnomAD v4.1: 9 of 1,613,810 alleles (0.00056%); highest among the groups gnomAD compares: South Asian, 0.0011%; no homozygotes.

Submission:

Labcorp Genetics (formerly Invitae), Labcorp
Classification: Uncertain significance for Nemaline myopathy 2. Last evaluated: 2021-08-24. Review status: criteria provided, single submitter. Criteria: Invitae Variant Classification Sherloc (09022015). Collection method: clinical testing. Allele origin: germline.
Comment: This sequence change replaces glutamic acid with lysine at codon 6520 of the NEB protein (p.Glu6520Lys). The glutamic acid residue is moderately conserved and there is a small physicochemical difference between glutamic acid and lysine. This variant is not present in population databases (ExAC no frequency). This variant has not been reported in the literature in individuals affected with NEB-related conditions. Algorithms developed to predict the effect of missense changes on protein structure and function are either unavailable or do not agree on the potential impact of this missense change (SIFT: "Deleterious"; PolyPhen-2: "Not Available"; Align-GVGD: "Class C0"). In summary, the available evidence is currently insufficient to determine the role of this variant in disease. Therefore, it has been classified as a Variant of Uncertain Significance.

NM_001164508.2(NEB):c.19558G>A (p.Glu6520Lys)

Genes: NEB (nebulin; minus strand), LOC126806373 (BRD4-independent group 4 enhancer GRCh37_chr2:152410007-152411206; plus strand). Cytogenetic location: 2q23.3.
Variant type: single nucleotide variant.
Coding change: c.19558G>A on transcript NM_001164508.2 (MANE Select); coding-DNA position 19558, G replaced by A.
Protein change: p.Glu6520Lys; replaces glutamic acid 6520 with lysine.
Molecular consequence: missense variant.
Genome position (GRCh38, 1-based): chr2:151,553,896, C>T on the plus strand (G>A on the coding strand, the complement: NEB is on the minus strand). VCF-style: chr2-151553896-C-T. GRCh37 (hg19) VCF-style: chr2-152410410-C-T.
Other names: c.19558G>A, p.Glu6520Lys (NM_001164507.2, NM_001271208.2); c.14455G>A, p.Glu4819Lys (NM_004543.5); short protein forms E4819K, E6520K.
Identifiers: ClinVar variation 1042096 (VCV001042096.6), dbSNP rs753229810, ClinGen allele CA57648354.